The following is an entry in ClinVar:

NM_015175.3(NBEAL2):c.2445G>A (p.Ala815=)

Gene: NBEAL2 (neurobeachin like 2; plus strand). Cytogenetic location: 3p21.31.
Variant type: single nucleotide variant.
Coding change: c.2445G>A on transcript NM_015175.3 (MANE Select); coding-DNA position 2445, G replaced by A.
Protein change: p.Ala815=; no amino-acid change (alanine 815 retained).
Molecular consequence: synonymous variant.
Genome position (GRCh38, 1-based): chr3:46,996,564, G>A. VCF-style: chr3-46996564-G-A. GRCh37 (hg19) VCF-style: chr3-47038054-G-A.
Other names: p.Ala815=; c.2343G>A, p.Ala781= (NM_001365116.2).
Identifiers: ClinVar variation 345639 (VCV000345639.9), dbSNP rs116456978, ClinGen allele CA2360625.

ClinVar aggregate classification (germline): Benign/Likely benign. Review status: criteria provided, multiple submitters, no conflicts (2 of 4 stars). 5 submissions from 5 submitters: Benign (4); Likely benign (1). Last evaluated 2026-01-24.

Conditions:
Gray platelet syndrome (GPS). Also called: BLEEDING DISORDER, PLATELET-TYPE, 4. Identifiers: Orphanet 721, MedGen C0272302, MONDO:0007686, OMIM 139090.

Allele frequency attached by ClinVar (database versions not stated): gnomAD exomes 0.02531 and 0.02046; ExAC 0.02891; 1000 Genomes Project 0.00998; 1000 Genomes Project 30x 0.00999; TOPMed 0.01900; gnomAD 0.01902 and 0.01945; ESP Exome Variant Server 0.02051.
gnomAD v4.1: 37,959 of 1,537,926 alleles (2.5%); highest among the groups gnomAD compares: Non-Finnish European, 2.8%; 567 homozygotes.

Submissions (5):

Labcorp Genetics (formerly Invitae), Labcorp
Classification: Benign. Last evaluated: 2026-01-24. Review status: criteria provided, single submitter. Criteria: Invitae Variant Classification Sherloc (09022015). Collection method: clinical testing. Allele origin: germline.

Mayo Clinic Laboratories, Mayo Clinic
Classification: Benign. Last evaluated: 2025-10-23. Review status: criteria provided, single submitter. Criteria: ACMG Guidelines, 2015. Collection method: clinical testing. Allele origin: germline. Observed: 22 variant alleles.
Comment: BS1, BS2, BP4, BP5, BP7

Blueprint Genetics
Classification: Likely benign. Last evaluated: 2024-11-26. Review status: criteria provided, single submitter. Criteria: ACMG Guidelines, 2015. Collection method: clinical testing. Allele origin: germline.

Illumina Laboratory Services, Illumina
Classification: Benign for Gray platelet syndrome. Last evaluated: 2018-01-13. Review status: criteria provided, single submitter. Criteria: ICSL Variant Classification Criteria 13 December 2019. Collection method: clinical testing. Allele origin: germline.
Comment: This variant was observed in the ICSL laboratory as part of a predisposition screen in an ostensibly healthy population. It had not been previously curated by ICSL or reported in the Human Gene Mutation Database (HGMD: prior to June 1st, 2018), and was therefore a candidate for classification through an automated scoring system. Utilizing variant allele frequency, disease prevalence and penetrance estimates, and inheritance mode, an automated score was calculated to assess if this variant is too frequent to cause the disease. Based on the score and internal cut-off values, a variant classified as benign is not then subjected to further curation. The score for this variant resulted in a classification of benign for this disease.

Breakthrough Genomics
Classification: Benign. Review status: criteria provided, single submitter. Criteria: ACMG Guidelines, 2015. Collection method: not provided. Allele origin: germline. Inheritance: Autosomal recessive inheritance. Affected: yes.